The following is an entry in ClinVar:

NM_000639.3(FASLG):c.174G>A (p.Pro58=)

Gene: FASLG (Fas ligand; plus strand). Cytogenetic location: 1q24.3.
Variant type: single nucleotide variant.
Coding change: c.174G>A on transcript NM_000639.3 (MANE Select); coding-DNA position 174, G replaced by A.
Protein change: p.Pro58=; no amino-acid change (proline 58 retained).
Molecular consequence: synonymous variant.
Genome position (GRCh38, 1-based): chr1:172,659,375, G>A. VCF-style: chr1-172659375-G-A. GRCh37 (hg19) VCF-style: chr1-172628515-G-A.
Other names: c.174G>A, p.Pro58= (NM_001302746.2).
Identifiers: ClinVar variation 293731 (VCV000293731.38), dbSNP rs372411796, ClinGen allele CA1247468.

ClinVar aggregate classification (germline): Benign/Likely benign. Review status: criteria provided, multiple submitters, no conflicts (2 of 4 stars). 5 submissions from 5 submitters: Benign (1); Likely benign (4). Last evaluated 2026-02-02.

Conditions:
Autoimmune lymphoproliferative syndrome type 1. Also called: AUTOIMMUNE LYMPHOPROLIFERATIVE SYNDROME, TYPE I, AUTOSOMAL DOMINANT. Identifiers: Orphanet 3261, MedGen C2717884, MONDO:0011158, OMIM 601859.

Allele frequency attached by ClinVar (database versions not stated): ESP Exome Variant Server 0.00015; 1000 Genomes Project 0.00020; gnomAD exomes 0.00022 and 0.00048; ExAC 0.00027; 1000 Genomes Project 30x 0.00031; gnomAD 0.00032 and 0.00034; TOPMed 0.00041.
gnomAD v4.1: 401 of 1,609,684 alleles (0.025%); highest among the groups gnomAD compares: Admixed American, 0.02%; 1 homozygote.

Submissions (5):

Labcorp Genetics (formerly Invitae), Labcorp
Classification: Benign for Autoimmune lymphoproliferative syndrome. Last evaluated: 2026-02-02. Review status: criteria provided, single submitter. Criteria: Invitae Variant Classification Sherloc (09022015). Collection method: clinical testing. Allele origin: germline.

Blueprint Genetics
Classification: Likely benign. Last evaluated: 2024-10-25. Review status: criteria provided, single submitter. Criteria: ACMG Guidelines, 2015. Collection method: clinical testing. Allele origin: germline.

CeGaT Center for Human Genetics Tuebingen
Classification: Likely benign. Last evaluated: 2024-01-01. Review status: criteria provided, single submitter. Criteria: CeGaT Center For Human Genetics Tuebingen Variant Classification Criteria Version 2. Collection method: clinical testing. Allele origin: germline. Affected: yes. Observed: 1 variant allele.
Comment: FASLG: BP4, BP7

Illumina Laboratory Services, Illumina
Classification: Likely benign for Autoimmune lymphoproliferative syndrome type 1. Last evaluated: 2017-04-27. Review status: criteria provided, single submitter. Criteria: ICSL Variant Classification Criteria 13 December 2019. Collection method: clinical testing. Allele origin: germline.
Comment: This variant was observed as part of a predisposition screen in an ostensibly healthy population. A literature search was performed for the gene, cDNA change, and amino acid change (where applicable). No publications were found based on this search. Allele frequency data from public databases allowed determination this variant is unlikely to cause disease. Therefore, this variant is classified as likely benign.

Breakthrough Genomics
Classification: Likely benign. Review status: criteria provided, single submitter. Criteria: ACMG Guidelines, 2015. Collection method: not provided. Allele origin: germline. Inheritance: Autosomal dominant inheritance. Affected: yes.